The following is an entry in ClinVar:

ClinVar aggregate classification (germline): Benign. Review status: criteria provided, multiple submitters, no conflicts (2 of 4 stars). 10 submissions from 10 submitters: Benign (8). 2 of the submissions do not count toward it. Last evaluated 2024-11-26.

Conditions:
Glycogen storage disease type III (GSD3). Also called: Cori disease; FORBES DISEASE. Identifiers: Orphanet 366, MedGen C0017922, MONDO:0009291, OMIM 232400.

Allele frequency attached by ClinVar (database versions not stated): gnomAD 0.41188 and 0.41848; TOPMed 0.41271; ESP Exome Variant Server 0.41573; 1000 Genomes Project 30x 0.42067; 1000 Genomes Project 0.42712; ExAC 0.46865; gnomAD exomes 0.46937 and 0.49133.
gnomAD v4.1: 779,176 of 1,610,628 alleles (48%); highest among the groups gnomAD compares: East Asian, 55%; 191,964 homozygotes.

Submissions (10):

Blueprint Genetics
Classification: Benign. Last evaluated: 2024-11-26. Review status: criteria provided, single submitter. Criteria: ACMG Guidelines, 2015. Collection method: clinical testing. Allele origin: germline.

Genome-Nilou Lab
Classification: Benign for Glycogen storage disease type III. Last evaluated: 2021-07-15. Review status: criteria provided, single submitter. Criteria: ACMG Guidelines, 2015. Collection method: clinical testing. Allele origin: germline. Affected: no.

Illumina Laboratory Services, Illumina
Classification: Benign for Glycogen storage disease type III. Last evaluated: 2018-01-12. Review status: criteria provided, single submitter. Criteria: ICSL Variant Classification Criteria 13 December 2019. Collection method: clinical testing. Allele origin: germline.
Comment: This variant was observed in the ICSL laboratory as part of a predisposition screen in an ostensibly healthy population. It had not been previously curated by ICSL or reported in the Human Gene Mutation Database (HGMD: prior to June 1st, 2018), and was therefore a candidate for classification through an automated scoring system. Utilizing variant allele frequency, disease prevalence and penetrance estimates, and inheritance mode, an automated score was calculated to assess if this variant is too frequent to cause the disease. Based on the score and internal cut-off values, a variant classified as benign is not then subjected to further curation. The score for this variant resulted in a classification of benign for this disease.

Phosphorus, Inc.
Classification: Benign for Glycogen storage disease type III. Last evaluated: 2017-08-01. Review status: criteria provided, single submitter. Criteria: ACMG Guidelines, 2015. Collection method: clinical testing. Allele origin: germline. Observed: 20 variant alleles.

GeneDx
Classification: Benign. Last evaluated: 2015-12-02. Review status: criteria provided, single submitter. Criteria: GeneDx Variant Classification (06012015). Collection method: clinical testing. Allele origin: germline. Affected: yes.
Comment: This variant is considered likely benign or benign based on one or more of the following criteria: it is a conservative change, it occurs at a poorly conserved position in the protein, it is predicted to be benign by multiple in silico algorithms, and/or has population frequency not consistent with disease.

Eurofins Ntd Llc (ga)
Classification: Benign. Last evaluated: 2014-09-24. Review status: criteria provided, single submitter. Criteria: EGL Classification Definitions 2015. Collection method: clinical testing. Allele origin: germline.

Breakthrough Genomics
Classification: Benign. Review status: criteria provided, single submitter. Criteria: ACMG Guidelines, 2015. Collection method: not provided. Allele origin: germline. Inheritance: Autosomal recessive inheritance. Affected: yes.

PreventionGenetics, part of Exact Sciences
Classification: Benign. Review status: criteria provided, single submitter. Criteria: ACMG Guidelines, 2015. Collection method: clinical testing. Allele origin: germline.

Natera, Inc.
Classification: Benign for Glycogen storage disease type III. Last evaluated: 2020-09-16. Review status: no assertion criteria provided. Collection method: clinical testing. Allele origin: germline. Not counted in ClinVar's aggregate classification.

Mayo Clinic Laboratories, Mayo Clinic
Classification: Benign. Last evaluated: 2015-10-22. Review status: no assertion criteria provided. Collection method: clinical testing. Allele origin: unknown. Not counted in ClinVar's aggregate classification.

NM_000642.3(AGL):c.-10A>G

Gene: AGL (amylo-alpha-1,6-glucosidase and 4-alpha-glucanotransferase; plus strand). Cytogenetic location: 1p21.2.
Variant type: single nucleotide variant.
Coding change: c.-10A>G on transcript NM_000642.3 (MANE Select); 10 bases upstream of the start codon, A replaced by G.
Molecular consequence: 5 prime UTR variant. On other transcripts: splice acceptor variant (2).
Genome position (GRCh38, 1-based): chr1:99,851,033, A>G. VCF-style: chr1-99851033-A-G. GRCh37 (hg19) VCF-style: chr1-100316589-A-G.
Other names: c.-10A>G (NM_000028.3, NM_000643.3, NM_001425326.1 and 4 more transcripts); c.-201A>G (NM_000646.3); c.-8-2A>G (NM_000644.3, NM_001425325.1).
Identifiers: ClinVar variation 195096 (VCV000195096.16), dbSNP rs2307130, ClinGen allele CA201558.